The following is an entry in ClinVar:

NM_004385.5(VCAN):c.7501G>T (p.Asp2501Tyr)

Genes: VCAN (versican; plus strand), VCAN-AS1 (VCAN antisense RNA 1; minus strand). Cytogenetic location: 5q14.3.
Variant type: single nucleotide variant.
Coding change: c.7501G>T on transcript NM_004385.5 (MANE Select); coding-DNA position 7501, G replaced by T.
Protein change: p.Asp2501Tyr; replaces aspartic acid 2501 with tyrosine.
Molecular consequence: missense variant. On other transcripts: intron variant (2).
Genome position (GRCh38, 1-based): chr5:83,540,504, G>T. VCF-style: chr5-83540504-G-T. GRCh37 (hg19) VCF-style: chr5-82836323-G-T.
Other names: c.4540G>T, p.Asp1514Tyr (NM_001164097.2); c.4004-5033G>T (NM_001164098.2); c.1043-5033G>T (NM_001126336.3); short protein forms D1514Y, D2501Y.
Identifiers: ClinVar variation 4729470 (VCV004729470.1).

ClinVar aggregate classification (germline): Uncertain significance (1 of 4 stars; one submission).

gnomAD v4.1: 8 of 1,613,926 alleles (0.0005%); highest among the groups gnomAD compares: Non-Finnish European, 0.00068%; no homozygotes.

Submission:

Labcorp Genetics (formerly Invitae), Labcorp
Classification: Uncertain significance. Last evaluated: 2025-10-18. Review status: criteria provided, single submitter. Criteria: Invitae Variant Classification Sherloc (09022015). Collection method: clinical testing. Allele origin: germline.
Comment: This sequence change replaces aspartic acid, which is acidic and polar, with tyrosine, which is neutral and polar, at codon 2501 of the VCAN protein (p.Asp2501Tyr). This variant is not present in population databases (gnomAD no frequency). This variant has not been reported in the literature in individuals affected with VCAN-related conditions. An algorithm developed to predict the effect of missense changes on protein structure and function outputs the following: PolyPhen-2: "Benign". The tyrosine amino acid residue is found in multiple mammalian species, which suggests that this missense change does not adversely affect protein function. In summary, the available evidence is currently insufficient to determine the role of this variant in disease. Therefore, it has been classified as a Variant of Uncertain Significance.